The following is an entry in ClinVar:

ClinVar aggregate classification (germline): Uncertain significance (1 of 4 stars; one submission).

Allele frequency attached by ClinVar (database versions not stated): ExAC 0.00001; gnomAD exomes 0.00001; gnomAD 0.00007; TOPMed 0.00007.
gnomAD v4.1: 26 of 1,613,340 alleles (0.0016%); highest among the groups gnomAD compares: African/African-American, 0.02%; no homozygotes.

Submission:

GeneDx
Classification: Uncertain significance. Last evaluated: 2022-08-29. Review status: criteria provided, single submitter. Criteria: GeneDx Variant Classification Process June 2021. Collection method: clinical testing. Allele origin: germline. Affected: yes.
Comment: In silico analysis supports that this missense variant does not alter protein structure/function; Has not been previously published as pathogenic or benign to our knowledge

NM_001378328.1(CELSR1):c.4946G>A (p.Arg1649Gln)

Gene: CELSR1 (cadherin EGF LAG seven-pass G-type receptor 1; minus strand). Cytogenetic location: 22q13.31.
Variant type: single nucleotide variant.
Coding change: c.4946G>A on transcript NM_001378328.1 (MANE Select); coding-DNA position 4946, G replaced by A.
Protein change: p.Arg1649Gln; replaces arginine 1649 with glutamine.
Molecular consequence: missense variant.
Genome position (GRCh38, 1-based): chr22:46,409,868, C>T on the plus strand (G>A on the coding strand, the complement: CELSR1 is on the minus strand). VCF-style: chr22-46409868-C-T. GRCh37 (hg19) VCF-style: chr22-46805765-C-T.
Other names: c.4946G>A, p.Arg1649Gln (NM_014246.4); short protein forms R1649Q.
Identifiers: ClinVar variation 2442719 (VCV002442719.1), dbSNP rs112571995, ClinGen allele CA10294432.